The following is an entry in ClinVar:

ClinVar aggregate classification (germline): Uncertain significance (1 of 4 stars; one submission).

gnomAD v4.1: 1 of 1,614,052 alleles (0.000062%); highest among the groups gnomAD compares: Non-Finnish European, 0.000085%; no homozygotes.

Submission:

GeneDx
Classification: Uncertain significance. Last evaluated: 2023-05-26. Review status: criteria provided, single submitter. Criteria: GeneDx Variant Classification Process June 2021. Collection method: clinical testing. Allele origin: germline. Affected: yes.
Comment: Not observed at significant frequency in large population cohorts (gnomAD); In silico analysis supports that this missense variant does not alter protein structure/function; Has not been previously published as pathogenic or benign to our knowledge

NM_000091.5(COL4A3):c.4366G>C (p.Ala1456Pro)

Genes: COL4A3 (collagen type IV alpha 3 chain; plus strand), MFF-DT (MFF divergent transcript; minus strand). Cytogenetic location: 2q36.3.
Variant type: single nucleotide variant.
Coding change: c.4366G>C on transcript NM_000091.5 (MANE Select); coding-DNA position 4366, G replaced by C.
Protein change: p.Ala1456Pro; replaces alanine 1456 with proline.
Molecular consequence: missense variant.
Genome position (GRCh38, 1-based): chr2:227,307,823, G>C. VCF-style: chr2-227307823-G-C. GRCh37 (hg19) VCF-style: chr2-228172539-G-C.
Other names: short protein forms A1456P.
Identifiers: ClinVar variation 3361975 (VCV003361975.1).